The following is an entry in ClinVar:

ClinVar aggregate classification (germline): Uncertain significance (1 of 4 stars; one submission).

Allele frequency attached by ClinVar (database versions not stated): gnomAD exomes below 0.00001.
gnomAD v4.1: 2 of 1,613,908 alleles (0.00012%); highest among the groups gnomAD compares: Non-Finnish European, 0.00017%; no homozygotes.

Submission:

Labcorp Genetics (formerly Invitae), Labcorp
Classification: Uncertain significance. Last evaluated: 2022-10-29. Review status: criteria provided, single submitter. Criteria: Invitae Variant Classification Sherloc (09022015). Collection method: clinical testing. Allele origin: germline.
Comment: In summary, the available evidence is currently insufficient to determine the role of this variant in disease. Therefore, it has been classified as a Variant of Uncertain Significance. Variants that disrupt the consensus splice site are a relatively common cause of aberrant splicing (PMID: 17576681, 9536098). Algorithms developed to predict the effect of sequence changes on RNA splicing suggest that this variant is not likely to affect RNA splicing. This variant has not been reported in the literature in individuals affected with DCHS1-related conditions. This variant is not present in population databases (gnomAD no frequency). This sequence change falls in intron 7 of the DCHS1 gene. It does not directly change the encoded amino acid sequence of the DCHS1 protein. It affects a nucleotide within the consensus splice site.

Literature cited by the submitters: PubMed 17576681; PubMed 9536098.

NM_003737.4(DCHS1):c.3676-3C>T

Gene: DCHS1 (dachsous cadherin-related 1; minus strand). Cytogenetic location: 11p15.4.
Variant type: single nucleotide variant.
Coding change: c.3676-3C>T on transcript NM_003737.4 (MANE Select); 3 bases into the intron before coding-DNA position 3676, C replaced by T.
Molecular consequence: intron variant.
Genome position (GRCh38, 1-based): chr11:6,631,410, G>A on the plus strand (C>T on the coding strand, the complement: DCHS1 is on the minus strand). VCF-style: chr11-6631410-G-A. GRCh37 (hg19) VCF-style: chr11-6652641-G-A.
Identifiers: ClinVar variation 2798432 (VCV002798432.3), dbSNP rs2493827201, ClinGen allele CA472926650.